The following is an entry in ClinVar:

NM_006767.4(LZTR1):c.1785+6G>T

Gene: LZTR1 (leucine zipper like post translational regulator 1; plus strand). Cytogenetic location: 22q11.21.
Variant type: single nucleotide variant.
Coding change: c.1785+6G>T on transcript NM_006767.4 (MANE Select); 6 bases into the intron after coding-DNA position 1785, G replaced by T.
Molecular consequence: intron variant.
Genome position (GRCh38, 1-based): chr22:20,994,733, G>T. VCF-style: chr22-20994733-G-T. GRCh37 (hg19) VCF-style: chr22-21349022-G-T.
Identifiers: ClinVar variation 3729045 (VCV003729045.2).

ClinVar aggregate classification (germline): Uncertain significance (1 of 4 stars; one submission).

Submission:

Labcorp Genetics (formerly Invitae), Labcorp
Classification: Uncertain significance. Last evaluated: 2025-01-15. Review status: criteria provided, single submitter. Criteria: Invitae Variant Classification Sherloc (09022015). Collection method: clinical testing. Allele origin: germline.
Comment: This sequence change falls in intron 15 of the LZTR1 gene. It does not directly change the encoded amino acid sequence of the LZTR1 protein. It affects a nucleotide within the consensus splice site. This variant is not present in population databases (gnomAD no frequency). This variant has not been reported in the literature in individuals affected with LZTR1-related conditions. Variants that disrupt the consensus splice site are a relatively common cause of aberrant splicing (PMID: 17576681, 9536098). Algorithms developed to predict the effect of sequence changes on RNA splicing suggest that this variant is not likely to affect RNA splicing. In summary, the available evidence is currently insufficient to determine the role of this variant in disease. Therefore, it has been classified as a Variant of Uncertain Significance.

Literature cited by the submitters: PubMed 17576681; PubMed 9536098.